The following is an entry in ClinVar:

ClinVar aggregate classification (germline): Uncertain significance (1 of 4 stars; one submission).

Conditions:
Hereditary pancreatitis (PCTT). Also called: PRSS1-Related Hereditary Pancreatitis; Hereditary chronic pancreatitis. Identifiers: Orphanet 676, MedGen C0238339, MONDO:0008185, OMIM 167800.

Submission:

Ambry Genetics
Classification: Uncertain significance for Hereditary pancreatitis. Last evaluated: 2025-02-25. Review status: criteria provided, single submitter. Criteria: Ambry Variant Classification Scheme 2023. Collection method: clinical testing. Allele origin: germline.
Comment: The c.194+3G>A intronic variant results from a G to A substitution 3 nucleotides after coding exon 3 in the SPINK1 gene. This nucleotide position is not well conserved in available vertebrate species. In silico splice site analysis predicts that this alteration will not have any significant effect on splicing. Based on the available evidence, the clinical significance of this variant remains unclear.

NM_001379610.1(SPINK1):c.194+3G>A

Gene: SPINK1 (serine peptidase inhibitor Kazal type 1; minus strand). Cytogenetic location: 5q32.
Variant type: single nucleotide variant.
Coding change: c.194+3G>A on transcript NM_001379610.1 (MANE Select); 3 bases into the intron after coding-DNA position 194, G replaced by A.
Molecular consequence: intron variant.
Genome position (GRCh38, 1-based): chr5:147,828,019, C>T on the plus strand (G>A on the coding strand, the complement: SPINK1 is on the minus strand). VCF-style: chr5-147828019-C-T. GRCh37 (hg19) VCF-style: chr5-147207582-C-T.
Other names: c.194+3G>A (NM_003122.5, NM_001354966.2).
Identifiers: ClinVar variation 3800735 (VCV003800735.1).